The following is an entry in ClinVar:

NM_001378.3(DYNC1I2):c.1671C>T (p.Asp557=)

Gene: DYNC1I2 (dynein cytoplasmic 1 intermediate chain 2; plus strand). Cytogenetic location: 2q31.1.
Variant type: single nucleotide variant.
Coding change: c.1671C>T on transcript NM_001378.3 (MANE Select); coding-DNA position 1671, C replaced by T.
Protein change: p.Asp557=; no amino-acid change (aspartic acid 557 retained).
Molecular consequence: synonymous variant.
Genome position (GRCh38, 1-based): chr2:171,744,183, C>T. VCF-style: chr2-171744183-C-T. GRCh37 (hg19) VCF-style: chr2-172600693-C-T.
Other names: c.1671C>T, p.Asp557= (NM_001271785.2); c.1647C>T, p.Asp549= (NM_001271786.2, NM_001271787.2); c.1593C>T, p.Asp531= (NM_001271788.2, NM_001271789.2, NM_001271790.2 and 1 more transcripts); c.1653C>T, p.Asp551= (NM_001320882.2, NM_001320883.2, NM_001378455.1 and 1 more transcripts).
Identifiers: ClinVar variation 4535044 (VCV004535044.6).

ClinVar aggregate classification (germline): Likely benign (1 of 4 stars; one submission).

gnomAD v4.1: 5 of 1,596,406 alleles (0.00031%); highest among the groups gnomAD compares: Admixed American, 0.0054%; no homozygotes.

Submission:

CeGaT Center for Human Genetics Tuebingen
Classification: Likely benign. Last evaluated: 2025-10-01. Review status: criteria provided, single submitter. Criteria: CeGaT Center For Human Genetics Tuebingen Variant Classification Criteria Version 2. Collection method: clinical testing. Allele origin: germline. Affected: yes. Observed: 1 variant allele.
Comment: DYNC1I2: BP4, BP7